The following is an entry in ClinVar:

ClinVar aggregate classification (germline): Uncertain significance (1 of 4 stars; one submission).

Submission:

GeneDx
Classification: Uncertain significance. Last evaluated: 2024-08-22. Review status: criteria provided, single submitter. Criteria: GeneDx Variant Classification Process June 2021. Collection method: clinical testing. Allele origin: germline. Affected: yes.
Comment: Not observed at significant frequency in large population cohorts (gnomAD); In silico analysis supports that this missense variant has a deleterious effect on protein structure/function; Has not been previously published as pathogenic or benign to our knowledge

NM_000719.7(CACNA1C):c.4979A>G (p.Asp1660Gly)

Genes: CACNA1C (calcium voltage-gated channel subunit alpha1 C; plus strand), CACNA1C-AS1 (CACNA1C antisense RNA 1; minus strand). Cytogenetic location: 12p13.33.
Variant type: single nucleotide variant.
Coding change: c.4979A>G on transcript NM_000719.7 (MANE Select); coding-DNA position 4979, A replaced by G.
Protein change: p.Asp1660Gly; replaces aspartic acid 1660 with glycine.
Molecular consequence: missense variant. On other transcripts: non-coding transcript variant (1).
Genome position (GRCh38, 1-based): chr12:2,677,755, A>G. VCF-style: chr12-2677755-A-G. GRCh37 (hg19) VCF-style: chr12-2786921-A-G.
Other names: c.5123A>G, p.Asp1708Gly (NM_001129827.2, NM_199460.4); c.5102A>G, p.Asp1701Gly (NM_001129829.2); c.4979A>G, p.Asp1660Gly (NM_001129830.3, NM_001129840.2, NM_001129841.2 and 4 more transcripts); c.5063A>G, p.Asp1688Gly (NM_001129831.2); c.5039A>G, p.Asp1680Gly (NM_001129832.2); c.5036A>G, p.Asp1679Gly (NM_001129833.2, NM_001129834.2, NM_001129835.2); c.5030A>G, p.Asp1677Gly (NM_001129836.2); c.5003A>G, p.Asp1668Gly (NM_001129837.2, NM_001129838.2); and 3 more; short protein forms D1649G, D1657G, D1660G, D1666G, D1668G, D1677G, D1679G, D1680G.
Identifiers: ClinVar variation 3764456 (VCV003764456.1).